The following is an entry in ClinVar:

ClinVar aggregate classification (germline): Conflicting classifications of pathogenicity. Review status: criteria provided, conflicting classifications (1 of 4 stars). 4 submissions from 4 submitters: Likely pathogenic (1); Uncertain significance (2). 1 of the submissions does not count toward it. Last evaluated 2025-10-23.

Conditions:
Cardioencephalomyopathy, fatal infantile, due to cytochrome c oxidase deficiency 1 (MC4DN2). Also called: CYTOCHROME c OXIDASE DEFICIENCY, FATAL INFANTILE, WITH CARDIOENCEPHALOMYOPATHY; MITOCHONDRIAL COMPLEX IV DEFICIENCY, NUCLEAR TYPE 2. Identifiers: Orphanet 1561, MedGen C5399977, MONDO:0011451, OMIM 604377.

Allele frequency attached by ClinVar (database versions not stated): ExAC 0.00001; gnomAD 0.00001; gnomAD exomes 0.00001; TOPMed 0.00001.
gnomAD v4.1: 10 of 1,613,642 alleles (0.00062%); highest among the groups gnomAD compares: South Asian, 0.0044%; no homozygotes.

Submissions (4):

Myriad Genetics, Inc.
Classification: Uncertain significance for Cardioencephalomyopathy, fatal infantile, due to cytochrome c oxidase deficiency 1. Last evaluated: 2025-10-23. Review status: criteria provided, single submitter. Criteria: Myriad Autosomal Dominant, Autosomal Recessive and X-Linked Classification Criteria (2023). Collection method: clinical testing. Allele origin: unknown.
Comment: NM_005138.2(SCO2):c.511C>T(R171W) is a missense variant classified as a variant of uncertain significance in the context of mitochondrial complex IV deficiency, SCO2-related. R171W has been observed in cases with relevant disease (PMID: 10749987, 28798025). Relevant functional assessments of this variant are available in the literature (PMID: 25959673). R171W has been observed in referenced population frequency databases. In summary, there is insufficient evidence to classify NM_005138.2(SCO2):c.511C>T(R171W) as pathogenic or benign. Please note: this variant was assessed in the context of healthy population screening.

CeGaT Center for Human Genetics Tuebingen
Classification: Likely pathogenic. Last evaluated: 2024-12-01. Review status: criteria provided, single submitter. Criteria: CeGaT Center For Human Genetics Tuebingen Variant Classification Criteria Version 2. Collection method: clinical testing. Allele origin: germline. Affected: yes. Observed: 1 variant allele.
Comment: SCO2: PM2, PM3, PM5, PS3:Supporting

Labcorp Genetics (formerly Invitae), Labcorp
Classification: Uncertain significance. Last evaluated: 2022-09-26. Review status: criteria provided, single submitter. Criteria: Invitae Variant Classification Sherloc (09022015). Collection method: clinical testing. Allele origin: germline.
Comment: This sequence change replaces arginine, which is basic and polar, with tryptophan, which is neutral and slightly polar, at codon 171 of the SCO2 protein (p.Arg171Trp). This variant is present in population databases (rs28937598, gnomAD 0.006%). This missense change has been observed in individual(s) with cardioencephalomyopathy due to mitochondrial complex IV deficiency (PMID: 10749987). In at least one individual the data is consistent with being in trans (on the opposite chromosome) from a pathogenic variant. ClinVar contains an entry for this variant (Variation ID: 5680). Advanced modeling of protein sequence and biophysical properties (such as structural, functional, and spatial information, amino acid conservation, physicochemical variation, residue mobility, and thermodynamic stability) performed at Invitae indicates that this missense variant is expected to disrupt SCO2 protein function. Experimental studies have shown that this missense change affects SCO2 function (PMID: 18804471, 23345593, 25959673, 30593977). In summary, the available evidence is currently insufficient to determine the role of this variant in disease. Therefore, it has been classified as a Variant of Uncertain Significance.

OMIM
Classification: Pathogenic for MITOCHONDRIAL COMPLEX IV DEFICIENCY, NUCLEAR TYPE 2. Last evaluated: 2000-03-22. Review status: no assertion criteria provided. Collection method: literature only. Allele origin: germline. Not counted in ClinVar's aggregate classification.

Literature cited by the submitters: PubMed 10749987 (cited by 3 submitters); PubMed 25959673 (cited by Myriad Genetics, Inc. and Labcorp Genetics (formerly Invitae), Labcorp); PubMed 28798025 (cited by Myriad Genetics, Inc.); PubMed 18804471 (cited by Labcorp Genetics (formerly Invitae), Labcorp); PubMed 23345593 (cited by Labcorp Genetics (formerly Invitae), Labcorp); PubMed 30593977 (cited by Labcorp Genetics (formerly Invitae), Labcorp).

NM_005138.3(SCO2):c.511C>T (p.Arg171Trp)

Genes: NCAPH2 (non-SMC condensin II complex subunit H2; plus strand), SCO2 (synthesis of cytochrome C oxidase 2; minus strand). Cytogenetic location: 22q13.33.
Variant type: single nucleotide variant.
Coding change: c.511C>T on transcript NM_005138.3 (MANE Select); coding-DNA position 511, C replaced by T.
Protein change: p.Arg171Trp; replaces arginine 171 with tryptophan.
Molecular consequence: missense variant. On other transcripts: 3 prime UTR variant (2).
Genome position (GRCh38, 1-based): chr22:50,523,901, G>A on the plus strand (C>T on the coding strand, the complement: SCO2 is on the minus strand). VCF-style: chr22-50523901-G-A. GRCh37 (hg19) VCF-style: chr22-50962330-G-A.
Other names: c.*526G>A (NM_001185011.2, NM_152299.4); c.511C>T, p.Arg171Trp (NM_001169109.2, NM_001169110.1, NM_001169111.2); short protein forms R171W.
Identifiers: ClinVar variation 5680 (VCV000005680.19), dbSNP rs28937598, ClinGen allele CA117676.